The following is an entry in ClinVar:

ClinVar aggregate classification (germline): Uncertain significance. Review status: criteria provided, single submitter (1 of 4 stars). 2 submissions from 2 submitters: Uncertain significance (1). 1 of the submissions does not count toward it. Last evaluated 2022-07-02.

Conditions:
Athabaskan severe combined immunodeficiency (SCIDA). Also called: Severe combined immunodeficiency, athabascan-type. Identifiers: MedGen C1865370.
Severe combined immunodeficiency due to DCLRE1C deficiency (RS-SCID). Also called: SCID, AUTOSOMAL RECESSIVE, T CELL-NEGATIVE, B CELL-NEGATIVE, NK CELL-POSITIVE, WITH SENSITIVITY TO IONIZING RADIATION. Identifiers: Orphanet 275, MedGen C1865371, MONDO:0011225, OMIM 602450.

Allele frequency attached by ClinVar (database versions not stated): ExAC 0.00001.
gnomAD v4.1: 4 of 1,613,878 alleles (0.00025%); highest among the groups gnomAD compares: Non-Finnish European, 0.00034%; no homozygotes.

Submissions (2):

Labcorp Genetics (formerly Invitae), Labcorp
Classification: Uncertain significance for Athabaskan severe combined immunodeficiency. Last evaluated: 2022-07-02. Review status: criteria provided, single submitter. Criteria: Invitae Variant Classification Sherloc (09022015). Collection method: clinical testing. Allele origin: germline.
Comment: This sequence change replaces asparagine, which is neutral and polar, with threonine, which is neutral and polar, at codon 302 of the DCLRE1C protein (p.Asn302Thr). This variant is present in population databases (rs748516669, gnomAD 0.0009%). This variant has not been reported in the literature in individuals affected with DCLRE1C-related conditions. ClinVar contains an entry for this variant (Variation ID: 650756). Algorithms developed to predict the effect of missense changes on protein structure and function (SIFT, PolyPhen-2, Align-GVGD) all suggest that this variant is likely to be tolerated. In summary, the available evidence is currently insufficient to determine the role of this variant in disease. Therefore, it has been classified as a Variant of Uncertain Significance.

Natera, Inc.
Classification: Uncertain significance for Athabascan severe combined immunodeficiency. Last evaluated: 2021-05-04. Review status: no assertion criteria provided. Collection method: clinical testing. Allele origin: germline. Not counted in ClinVar's aggregate classification.

NM_001033855.3(DCLRE1C):c.905A>C (p.Asn302Thr)

Gene: DCLRE1C (DNA cross-link repair 1C; minus strand). Cytogenetic location: 10p13.
Variant type: single nucleotide variant.
Coding change: c.905A>C on transcript NM_001033855.3 (MANE Select); coding-DNA position 905, A replaced by C.
Protein change: p.Asn302Thr; replaces asparagine 302 with threonine.
Molecular consequence: missense variant. On other transcripts: non-coding transcript variant (4).
Genome position (GRCh38, 1-based): chr10:14,928,028, T>G on the plus strand (A>C on the coding strand, the complement: DCLRE1C is on the minus strand). VCF-style: chr10-14928028-T-G. GRCh37 (hg19) VCF-style: chr10-14970027-T-G.
Other names: c.545A>C, p.Asn182Thr (NM_001033857.3, NM_001033858.3, NM_001289077.2 and 2 more transcripts); c.560A>C, p.Asn187Thr (NM_001289076.2, NM_001289078.2, NM_001350966.2 and 1 more transcripts); c.905A>C, p.Asn302Thr (NM_001350965.2); short protein forms N187T, N182T, N302T.
Identifiers: ClinVar variation 650756 (VCV000650756.10), dbSNP rs748516669, ClinGen allele CA5416651.